The following is an entry in ClinVar:

ClinVar aggregate classification (germline): Pathogenic (1 of 4 stars; one submission).

Conditions:
Polycystic kidney disease, adult type (PKD1). Also called: POLYCYSTIC KIDNEY DISEASE 1 WITH OR WITHOUT POLYCYSTIC LIVER DISEASE; POLYCYSTIC KIDNEY DISEASE, ADULT, TYPE I; Polycystic Kidney Disease 1, Autosomal Dominant; Polycystic kidney disease 1; Polycystic kidney disease 1, severe; Polycystic Kidney, Autosomal Dominant. Identifiers: MedGen C3149841, MONDO:0008263, OMIM 173900.

Submission:

Women's Health and Genetics/Laboratory Corporation of America, LabCorp
Classification: Pathogenic for Polycystic kidney disease, adult type. Last evaluated: 2025-04-23. Review status: criteria provided, single submitter. Criteria: LabCorp Variant Classification Summary - May 2015. Collection method: clinical testing. Allele origin: germline.
Comment: Variant summary: PKD1 c.5146delG (p.Glu1716SerfsX6) results in a premature termination codon, predicted to cause a truncation of the encoded protein or absence of the protein due to nonsense mediated decay, which are commonly known mechanisms for disease. The variant was absent in 245694 control chromosomes (gnomAD). To our knowledge, no occurrence of c.5146delG in individuals affected with Polycystic Kidney Disease 1 and no experimental evidence demonstrating its impact on protein function have been reported. No submitters have cited clinical-significance assessments for this variant to ClinVar. Based on the evidence outlined above, the variant was classified as pathogenic.

NM_001009944.3(PKD1):c.5146del (p.Glu1716fs)

Gene: PKD1 (polycystin 1, transient receptor potential channel interacting; minus strand). Cytogenetic location: 16p13.3.
Variant type: Deletion.
Coding change: c.5146del on transcript NM_001009944.3 (MANE Select); coding-DNA position 5146, one base deleted (G; older notation c.5146delG).
Protein change: p.Glu1716fs; shifts the reading frame from glutamic acid 1716.
Molecular consequence: frameshift variant.
Genome position (GRCh38, 1-based): chr16:2,110,021, C deleted on the plus strand (G on the coding strand, the reverse complement: PKD1 is on the minus strand); the first of 2 consecutive C bases (chr16:2,110,021-2,110,022); deleting either gives the same sequence. VCF-style (leftmost placement, unchanged base first): chr16-2110020-TC-T. GRCh37 (hg19) VCF-style: chr16-2160021-TC-T.
Other names: c.5146del, p.Glu1716fs (NM_000296.4); c.5146delG (NM_001009944.3); short protein forms E1716fs.
Identifiers: ClinVar variation 3896665 (VCV003896665.2).